The following is an entry in ClinVar:

ClinVar aggregate classification (germline): Uncertain significance (1 of 4 stars; one submission).

Conditions:
Cardiovascular phenotype. Identifiers: MedGen CN230736.
Hereditary cancer-predisposing syndrome. Also called: Tumor predisposition; Neoplastic Syndromes, Hereditary; Hereditary Cancer Syndrome; Hereditary neoplastic syndrome. Identifiers: Orphanet 140162, MedGen C0027672, MeSH D009386, MONDO:0015356.

Submission:

Ambry Genetics
Classification: Uncertain significance for Cardiovascular phenotype; Hereditary cancer-predisposing syndrome. Last evaluated: 2024-12-31. Review status: criteria provided, single submitter. Criteria: Ambry Variant Classification Scheme 2023. Collection method: clinical testing. Allele origin: germline.
Comment: The p.H415N variant (also known as c.1243C>A), located in coding exon 11 of the NF1 gene, results from a C to A substitution at nucleotide position 1243. The histidine at codon 415 is replaced by asparagine, an amino acid with similar properties. This amino acid position is conserved. In addition, the in silico prediction for this alteration is inconclusive. Based on the available evidence, the clinical significance of this variant remains unclear.

NM_001042492.3(NF1):c.1243C>A (p.His415Asn)

Gene: NF1 (neurofibromin 1; plus strand). Cytogenetic location: 17q11.2.
Variant type: single nucleotide variant.
Coding change: c.1243C>A on transcript NM_001042492.3 (MANE Select); coding-DNA position 1243, C replaced by A.
Protein change: p.His415Asn; replaces histidine 415 with asparagine.
Molecular consequence: missense variant.
Genome position (GRCh38, 1-based): chr17:31,201,468, C>A. VCF-style: chr17-31201468-C-A. GRCh37 (hg19) VCF-style: chr17-29528486-C-A.
Other names: c.1243C>A, p.His415Asn (NM_000267.4, NM_001128147.3); short protein forms H415N.
Identifiers: ClinVar variation 3879033 (VCV003879033.1).